The following is an entry in ClinVar:

ClinVar aggregate classification (germline): Pathogenic. Review status: criteria provided, multiple submitters, no conflicts (2 of 4 stars). 3 submissions from 3 submitters: Pathogenic (3). Last evaluated 2025-02-11.

Conditions:
Zellweger spectrum disorders (ZS). Also called: Zellweger syndrome; Zellweger Spectrum Disorder; Zellweger Spectrum; Zellweger Spectrum Disorder (ZSD). Identifiers: Orphanet 912, MedGen C0043459, MONDO:0019609.
Heimler syndrome 1 (HMLR1). Also called: PEROXISOME BIOGENESIS DISORDER 1C. Identifiers: Orphanet 3220, MedGen C4551980, OMIM 234580, MONDO:0024544.

Submissions (3):

Natera, Inc.
Classification: Pathogenic for Zellweger syndrome. Last evaluated: 2025-02-11. Review status: criteria provided, single submitter. Criteria: Natera Variant Classification Schema (03/2026). Collection method: clinical testing. Allele origin: germline.
Comment: The c.1208delA variant in PEX1 is a frameshift variant predicted to shift the reading frame beginning at codon 403 and leads to a stop codon 2 codons downstream. This variant is expected to result in nonsense mediated decay, truncation, or a dysfunctional protein product. This variant is rare in the general population with a frequency below the threshold expected for the associated phenotype(s). This variant has been observed in one or more individuals affected with the associated recessive disease, as either homozygous or compound heterozygous with a second variant (PMID: 36511274). Given the available evidence, this variant is classified as Pathogenic.

Labcorp Genetics (formerly Invitae), Labcorp
Classification: Pathogenic for Zellweger spectrum disorders. Last evaluated: 2023-09-25. Review status: criteria provided, single submitter. Criteria: Invitae Variant Classification Sherloc (09022015). Collection method: clinical testing. Allele origin: germline.
Comment: This sequence change creates a premature translational stop signal (p.Asn403Metfs*2) in the PEX1 gene. It is expected to result in an absent or disrupted protein product. Loss-of-function variants in PEX1 are known to be pathogenic (PMID: 21031596, 26387595, 31831025). This variant is present in population databases (no rsID available, gnomAD 0.0009%). This premature translational stop signal has been observed in individual(s) with syndromic retinal disease (PMID: 34448047). ClinVar contains an entry for this variant (Variation ID: 1457173). For these reasons, this variant has been classified as Pathogenic.

Baylor Genetics
Classification: Pathogenic for Heimler syndrome 1. Last evaluated: 2022-05-23. Review status: criteria provided, single submitter. Criteria: ACMG Guidelines, 2015. Collection method: clinical testing. Allele origin: unknown.

Literature cited by the submitters: PubMed 36511274 (cited by Natera, Inc.); PubMed 21031596 (cited by Labcorp Genetics (formerly Invitae), Labcorp); PubMed 26387595 (cited by Labcorp Genetics (formerly Invitae), Labcorp); PubMed 31831025 (cited by Labcorp Genetics (formerly Invitae), Labcorp); PubMed 34448047 (cited by Labcorp Genetics (formerly Invitae), Labcorp).

NM_000466.3(PEX1):c.1208del (p.Asn403fs)

Gene: PEX1 (peroxisomal biogenesis factor 1; minus strand). Cytogenetic location: 7q21.2.
Variant type: Deletion.
Coding change: c.1208del on transcript NM_000466.3 (MANE Select); coding-DNA position 1208, one base deleted (A; older notation c.1208delA).
Protein change: p.Asn403fs; shifts the reading frame from asparagine 403.
Molecular consequence: frameshift variant.
Genome position (GRCh38, 1-based): chr7:92,517,307, T deleted on the plus strand (A on the coding strand, the reverse complement: PEX1 is on the minus strand); the first of 5 consecutive T bases (chr7:92,517,307-92,517,311); deleting any one gives the same sequence. VCF-style (leftmost placement, unchanged base first): chr7-92517306-AT-A. GRCh37 (hg19) VCF-style: chr7-92146620-AT-A.
Other names: c.1208delA (NM_000466.2); c.1208del, p.Asn403fs (NM_001282677.2); c.584del, p.Asn195fs (NM_001282678.2); short protein forms N195fs, N403fs.
Identifiers: ClinVar variation 1457173 (VCV001457173.8), dbSNP rs1376037318, ClinGen allele CA576706627.
Genomic context (GRCh38, chr7:92,517,306, plus strand): 5'-TTTCTCCCAAGTTATAAAATTTATACTAACCCAGACTTTCCCAAGATGGAGAACTTCTAC[AT>A]TTTTGGTATATTTGATGGCATTGTTCAATTCTTCAAGTCCATTCCAGACTACTTGTAGCA-3'